The following is an entry in ClinVar:

ClinVar aggregate classification (germline): Conflicting classifications of pathogenicity. Review status: criteria provided, conflicting classifications (1 of 4 stars). 5 submissions from 5 submitters: Uncertain significance (2); Likely benign (1). 2 of the submissions do not count toward it. Last evaluated 2025-12-19.

Conditions:
Immunodeficiency, common variable, 7. Identifiers: Orphanet 1572, Orphanet 696894, MedGen C3542922, MONDO:0013862, OMIM 614699.

Allele frequency attached by ClinVar (database versions not stated): gnomAD 0.00034 and 0.00033; ExAC 0.00039; gnomAD exomes 0.00043 and 0.00029; ESP Exome Variant Server 0.00054; TOPMed 0.00028.
gnomAD v4.1: 509 of 1,613,894 alleles (0.032%); highest among the groups gnomAD compares: Middle Eastern, 0.23%; 4 homozygotes.

Submissions (5):

Labcorp Genetics (formerly Invitae), Labcorp
Classification: Likely benign for Immunodeficiency, common variable, 7. Last evaluated: 2025-12-19. Review status: criteria provided, single submitter. Criteria: Invitae Variant Classification Sherloc (09022015). Collection method: clinical testing. Allele origin: germline.

Blueprint Genetics
Classification: Uncertain significance. Last evaluated: 2024-11-25. Review status: criteria provided, single submitter. Criteria: ACMG Guidelines, 2015. Collection method: clinical testing. Allele origin: germline.

ARUP Laboratories, Molecular Genetics and Genomics, ARUP Laboratories
Classification: Uncertain significance. Last evaluated: 2019-09-17. Review status: criteria provided, single submitter. Criteria: ARUP Molecular Germline Variant Investigation Process. Collection method: clinical testing. Allele origin: germline.
Comment: The CR2 c.2006A>G; p.His669Arg variant (rs139230275) is reported in the literature in at least one individual affected with inflammatory bowel disease from exome sequencing, but it is unclear what other variants are present in this individual (Kelsen 2015). This variant is reported in ClinVar (Variation ID: 540322), and is found in the Ashkenazi Jewish population with an allele frequency of 0.44% (46/10366 alleles) in the Genome Aggregation Database. The histidine at codon 669 is highly conserved, and computational analyses (SIFT: tolerated, PolyPhen-2: possibly damaging) predict conflicting effects of this variant on protein structure/function. Due to limited information, the clinical significance of the p.His669Arg variant is uncertain at this time. References: Kelsen JR et al. Exome sequencing analysis reveals variants in primary immunodeficiency genes in patients with very early onset inflammatory bowel disease. Gastroenterology. 2015 Nov;149(6):1415-24.

Clinical Genetics DNA and cytogenetics Diagnostics Lab, Erasmus MC, Erasmus Medical Center
Classification: Uncertain significance. Review status: no assertion criteria provided. Collection method: clinical testing. Allele origin: germline. Affected: yes. Study: VKGL Data-share Consensus. Not counted in ClinVar's aggregate classification.

Diagnostic Laboratory, Department of Genetics, University Medical Center Groningen
Classification: Uncertain significance. Review status: no assertion criteria provided. Collection method: clinical testing. Allele origin: germline. Affected: yes. Study: VKGL Data-share Consensus. Not counted in ClinVar's aggregate classification.

NM_001006658.3(CR2):c.2006A>G (p.His669Arg)

Gene: CR2 (complement C3d receptor 2; plus strand). Cytogenetic location: 1q32.2.
Variant type: single nucleotide variant.
Coding change: c.2006A>G on transcript NM_001006658.3 (MANE Select); coding-DNA position 2006, A replaced by G.
Protein change: p.His669Arg; replaces histidine 669 with arginine.
Molecular consequence: missense variant. On other transcripts: intron variant (1).
Genome position (GRCh38, 1-based): chr1:207,473,572, A>G. VCF-style: chr1-207473572-A-G. GRCh37 (hg19) VCF-style: chr1-207646917-A-G.
Other names: c.1979-229A>G (NM_001877.5); short protein forms H669R.
Identifiers: ClinVar variation 540322 (VCV000540322.22), dbSNP rs139230275, ClinGen allele CA1368862.